The following is an entry in ClinVar:

ClinVar aggregate classification (germline): Uncertain significance (1 of 4 stars; one submission).

Conditions:
Bloom syndrome (BLM). Also called: Bloom-Torre-Machacek syndrome. Identifiers: Orphanet 125, MedGen C0005859, MONDO:0008876, OMIM 210900.

Submission:

Labcorp Genetics (formerly Invitae), Labcorp
Classification: Uncertain significance for Bloom syndrome. Last evaluated: 2022-11-28. Review status: criteria provided, single submitter. Criteria: Invitae Variant Classification Sherloc (09022015). Collection method: clinical testing. Allele origin: germline.
Comment: This sequence change replaces aspartic acid, which is acidic and polar, with asparagine, which is neutral and polar, at codon 1064 of the BLM protein (p.Asp1064Asn). In summary, the available evidence is currently insufficient to determine the role of this variant in disease. Therefore, it has been classified as a Variant of Uncertain Significance. Algorithms developed to predict the effect of sequence changes on RNA splicing suggest that this variant may create or strengthen a splice site. Advanced modeling of protein sequence and biophysical properties (such as structural, functional, and spatial information, amino acid conservation, physicochemical variation, residue mobility, and thermodynamic stability) performed at Invitae indicates that this missense variant is expected to disrupt BLM protein function. ClinVar contains an entry for this variant (Variation ID: 1393406). This variant has not been reported in the literature in individuals affected with BLM-related conditions. This variant is not present in population databases (gnomAD no frequency).

NM_000057.4(BLM):c.3190G>A (p.Asp1064Asn)

Gene: BLM (BLM RecQ like helicase; plus strand). Cytogenetic location: 15q26.1.
Variant type: single nucleotide variant.
Coding change: c.3190G>A on transcript NM_000057.4 (MANE Select); coding-DNA position 3190, G replaced by A.
Protein change: p.Asp1064Asn; replaces aspartic acid 1064 with asparagine.
Molecular consequence: missense variant.
Genome position (GRCh38, 1-based): chr15:90,794,337, G>A. VCF-style: chr15-90794337-G-A. GRCh37 (hg19) VCF-style: chr15-91337567-G-A.
Other names: c.3190G>A, p.Asp1064Asn (NM_001287246.2, NM_001287247.2); c.2065G>A, p.Asp689Asn (NM_001287248.2); short protein forms D1064N, D689N.
Identifiers: ClinVar variation 1393406 (VCV001393406.6), dbSNP rs1896979510, ClinGen allele CA393847036.